The following is an entry in ClinVar:

ClinVar aggregate classification (germline): Uncertain significance (1 of 4 stars; one submission).

Conditions:
TTN-related disorder. Also called: TTN-related condition; TTN-related disease; TTN-related disorders.

gnomAD v4.1: 11 of 1,613,170 alleles (0.00068%); highest among the groups gnomAD compares: Non-Finnish European, 0.00085%; no homozygotes.

Submission:

PreventionGenetics, part of Exact Sciences
Classification: Uncertain significance for TTN-related condition. Last evaluated: 2025-05-28. Review status: criteria provided, single submitter. Criteria: ACMG Guidelines, 2015. Collection method: clinical testing. Allele origin: germline.
Comment: The TTN c.11311+5575T>C variant is predicted to interfere with splicing. This variant is also referred to as c.14851T>C (p.Tyr4951His) in the Novex-3 transcript NM_133379. This variant is located in exon 46 of the Novex-3 transcript (minor small cardiac isoform) which is the last exon of this transcript. This exon is not included in any other TTN transcripts (principle cardiac or skeletal muscle isoforms). To our knowledge, this variant has not been reported in the literature. This variant is reported in 0.0027% of alleles in individuals of European (Non-Finnish) descent in gnomAD. At this time, the clinical significance of this variant is uncertain due to the absence of conclusive functional and genetic evidence.

NM_001267550.2(TTN):c.11311+5575T>C

Genes: TTN (titin; minus strand), LOC126806432 (CDK7 strongly-dependent group 2 enhancer GRCh37_chr2:179611985-179613184; plus strand). Cytogenetic location: 2q31.2.
Variant type: single nucleotide variant.
Coding change: c.11311+5575T>C on transcript NM_001267550.2 (MANE Select); 5575 bases into the intron after coding-DNA position 11311, T replaced by C.
Molecular consequence: intron variant. On other transcripts: missense variant (1).
Genome position (GRCh38, 1-based): chr2:178,747,549, A>G on the plus strand (T>C on the coding strand, the complement: TTN is on the minus strand). VCF-style: chr2-178747549-A-G. GRCh37 (hg19) VCF-style: chr2-179612276-A-G.
Other names: c.14851T>C, p.Tyr4951His (NM_133379.5); c.10222+5575T>C (NM_003319.4); c.10798+5575T>C (NM_133437.4); c.10597+5575T>C (NM_133432.3); c.10360+5575T>C (NM_133378.4, NM_001256850.1); short protein forms Y4951H.
Identifiers: ClinVar variation 4979519 (VCV004979519.1).
Genomic context (GRCh38, chr2:178,747,549, plus strand): 5'-TGGAAATGTCAGACTCAGGAGAAAGTGGACGACCTAGTGATTCCTGTTTCTGGTTGTAGT[A>G]TTCATACACAGTGTTGAAAGTTACTTCTTCCACCTCCATTGAAGTGATTGATTCACTCTG-3'